The following is an entry in ClinVar:

ClinVar aggregate classification (germline): Uncertain significance (1 of 4 stars; one submission).

Conditions:
Acroosteolysis-keloid-like lesions-premature aging syndrome. Also called: Progeroid syndrome, Penttinen type; Premature aging syndrome, Penttinen type; Prematurely aged appearance, delayed bone maturation, acro-osteolysis, and brachydactyly. Identifiers: Orphanet 363665, MedGen C1866182, MONDO:0011150, OMIM 601812.
Skeletal overgrowth-craniofacial dysmorphism-hyperelastic skin-white matter lesions syndrome. Also called: SKELETAL OVERGROWTH WITH FACIAL DYSMORPHISM, HYPERELASTIC SKIN, WHITE MATTER LESIONS, AND NEUROLOGIC DETERIORATION; Kosaki overgrowth syndrome. Identifiers: Orphanet 477831, MedGen C4225270, MONDO:0014704, OMIM 616592.
Basal ganglia calcification, idiopathic, 4 (PFBC4). Also called: PRIMARY FAMILIAL BRAIN CALCIFICATION 4, AUTOSOMAL DOMINANT; Familial Idiopathic Basal Ganglia Calcification 4. Identifiers: Orphanet 1980, MedGen C3554321, MONDO:0014004, OMIM 615007.
Infantile myofibromatosis (IMF). Also called: Congenital generalized fibromatosis. Identifiers: Orphanet 2591, MedGen C0432284, MONDO:0016824.

Allele frequency attached by ClinVar (database versions not stated): gnomAD exomes 0.00001; ExAC 0.00001.

Submission:

Labcorp Genetics (formerly Invitae), Labcorp
Classification: Uncertain significance for Basal ganglia calcification, idiopathic, 4; Skeletal overgrowth-craniofacial dysmorphism-hyperelastic skin-white matter lesions syndrome; Infantile myofibromatosis; Acroosteolysis-keloid-like lesions-premature aging syndrome. Last evaluated: 2021-10-21. Review status: criteria provided, single submitter. Criteria: Invitae Variant Classification Sherloc (09022015). Collection method: clinical testing. Allele origin: germline.
Comment: In summary, the available evidence is currently insufficient to determine the role of this variant in disease. Therefore, it has been classified as a Variant of Uncertain Significance. Advanced modeling of protein sequence and biophysical properties (such as structural, functional, and spatial information, amino acid conservation, physicochemical variation, residue mobility, and thermodynamic stability) performed at Invitae indicates that this missense variant is not expected to disrupt PDGFRB protein function. This variant has not been reported in the literature in individuals affected with PDGFRB-related conditions. This sequence change replaces arginine with tryptophan at codon 1098 of the PDGFRB protein (p.Arg1098Trp). The arginine residue is moderately conserved and there is a moderate physicochemical difference between arginine and tryptophan. This variant is present in population databases (rs267600485, ExAC 0.002%).

NM_002609.4(PDGFRB):c.3292C>T (p.Arg1098Trp)

Gene: PDGFRB (platelet derived growth factor receptor beta; minus strand). Cytogenetic location: 5q32.
Variant type: single nucleotide variant.
Coding change: c.3292C>T on transcript NM_002609.4 (MANE Select); coding-DNA position 3292, C replaced by T.
Protein change: p.Arg1098Trp; replaces arginine 1098 with tryptophan.
Molecular consequence: missense variant.
Genome position (GRCh38, 1-based): chr5:150,115,792, G>A on the plus strand (C>T on the coding strand, the complement: PDGFRB is on the minus strand). VCF-style: chr5-150115792-G-A. GRCh37 (hg19) VCF-style: chr5-149495355-G-A.
Other names: c.3100C>T, p.Arg1034Trp (NM_001355016.2); c.2809C>T, p.Arg937Trp (NM_001355017.2); short protein forms R1098W, R937W, R1034W.
Identifiers: ClinVar variation 1379023 (VCV001379023.6), dbSNP rs267600485, ClinGen allele CA3507356.
Genomic context (GRCh38, chr5:150,115,792, plus strand): 5'-CTTCAGGCAGGGCAGGGTAGGGGCCAGCCCCCTACAGGAAGCTATCCTCTGCTTCCGCCC[G>A]AGGCGCAGGGCACCCCGAATCCGGCAACTGTTCCAGCTCTGGCTCCGGCTCCACCTGGAG-3'
Protein context (NP_002600.1, residues 1088-1106): QLPDSGCPAP[Arg1098Trp]AEAEDSFL